The following is an entry in ClinVar:

NM_020806.5(GPHN):c.988G>C (p.Glu330Gln)

Gene: GPHN (gephyrin; plus strand). Cytogenetic location: 14q23.3.
Variant type: single nucleotide variant.
Coding change: c.988G>C on transcript NM_020806.5 (MANE Select); coding-DNA position 988, G replaced by C.
Protein change: p.Glu330Gln; replaces glutamic acid 330 with glutamine.
Molecular consequence: missense variant.
Genome position (GRCh38, 1-based): chr14:67,023,657, G>C. VCF-style: chr14-67023657-G-C. GRCh37 (hg19) VCF-style: chr14-67490374-G-C.
Other names: c.889G>C, p.Glu297Gln (NM_001024218.2); c.1048G>C, p.Glu350Gln (NM_001377514.1); c.1018G>C, p.Glu340Gln (NM_001377515.1); c.1009G>C, p.Glu337Gln (NM_001377516.1); c.961G>C, p.Glu321Gln (NM_001377517.1); c.946G>C, p.Glu316Gln (NM_001377518.1); c.928G>C, p.Glu310Gln (NM_001377519.1); c.988G>C (NM_020806.4); short protein forms E310Q, E321Q, E297Q, E316Q, E340Q, E350Q, E330Q, E337Q.
Identifiers: ClinVar variation 2154576 (VCV002154576.5), dbSNP rs1483246386, ClinGen allele CA390257094.

ClinVar aggregate classification (germline): Uncertain significance. Review status: criteria provided, multiple submitters, no conflicts (2 of 4 stars). 2 submissions from 2 submitters: Uncertain significance (2). Last evaluated 2025-01-17.

Conditions:
Inborn genetic diseases. Identifiers: MedGen C0950123, MeSH D030342.
Sulfite oxidase deficiency due to molybdenum cofactor deficiency type C. Also called: Molybdenum cofactor deficiency, complementation group C; Molybdenum cofactor deficiency C. Identifiers: Orphanet 308400, Orphanet 833, MedGen C1854990, MONDO:0014212, OMIM 615501.

Allele frequency attached by ClinVar (database versions not stated): gnomAD 0.00001.
gnomAD v4.1: 2 of 1,613,310 alleles (0.00012%); highest among the groups gnomAD compares: Non-Finnish European, 0.00017%; no homozygotes.

Submissions (2):

Labcorp Genetics (formerly Invitae), Labcorp
Classification: Uncertain significance for Sulfite oxidase deficiency due to molybdenum cofactor deficiency type C. Last evaluated: 2025-01-17. Review status: criteria provided, single submitter. Criteria: Invitae Variant Classification Sherloc (09022015). Collection method: clinical testing. Allele origin: germline.
Comment: This sequence change replaces glutamic acid, which is acidic and polar, with glutamine, which is neutral and polar, at codon 330 of the GPHN protein (p.Glu330Gln). This variant is not present in population databases (gnomAD no frequency). This variant has not been reported in the literature in individuals affected with GPHN-related conditions. ClinVar contains an entry for this variant (Variation ID: 2154576). Invitae Evidence Modeling of protein sequence and biophysical properties (such as structural, functional, and spatial information, amino acid conservation, physicochemical variation, residue mobility, and thermodynamic stability) indicates that this missense variant is not expected to disrupt GPHN protein function with a negative predictive value of 80%. In summary, the available evidence is currently insufficient to determine the role of this variant in disease. Therefore, it has been classified as a Variant of Uncertain Significance.

Ambry Genetics
Classification: Uncertain significance for Inborn genetic diseases. Last evaluated: 2024-03-12. Review status: criteria provided, single submitter. Criteria: Ambry Variant Classification Scheme 2023. Collection method: clinical testing. Allele origin: germline.